The following is an entry in ClinVar:

ClinVar aggregate classification (germline): Benign. Review status: criteria provided, single submitter (1 of 4 stars). 2 submissions from 2 submitters: Benign (1). 1 of the submissions does not count toward it. Last evaluated 2025-05-22.

Conditions:
NAA10-related disorder. Also called: NAA10-related disorders; NAA10-related condition.

Allele frequency attached by ClinVar (database versions not stated): gnomAD exomes 0.00003; TOPMed 0.00006; gnomAD 0.00008; ExAC 0.00009; ESP Exome Variant Server 0.00009.

Submissions (2):

Labcorp Genetics (formerly Invitae), Labcorp
Classification: Benign. Last evaluated: 2025-05-22. Review status: criteria provided, single submitter. Criteria: Invitae Variant Classification Sherloc (09022015). Collection method: clinical testing. Allele origin: germline.

PreventionGenetics, part of Exact Sciences
Classification: Likely benign for NAA10-related condition. Last evaluated: 2022-08-10. Review status: no assertion criteria provided. Collection method: clinical testing. Allele origin: germline. Not counted in ClinVar's aggregate classification.
Comment: This variant is classified as likely benign based on ACMG/AMP sequence variant interpretation guidelines (Richards et al. 2015 PMID: 25741868, with internal and published modifications).

NM_003491.4(NAA10):c.511G>A (p.Val171Met)

Gene: NAA10 (N-alpha-acetyltransferase 10, NatA catalytic subunit; minus strand). Cytogenetic location: Xq28.
Variant type: single nucleotide variant.
Coding change: c.511G>A on transcript NM_003491.4 (MANE Select); coding-DNA position 511, G replaced by A.
Protein change: p.Val171Met; replaces valine 171 with methionine.
Molecular consequence: missense variant.
Genome position (GRCh38, 1-based): chrX:153,930,184, C>T on the plus strand (G>A on the coding strand, the complement: NAA10 is on the minus strand). VCF-style: chrX-153930184-C-T. GRCh37 (hg19) VCF-style: chrX-153195637-C-T.
Other names: c.466G>A, p.Val156Met (NM_001256119.2); c.493G>A, p.Val165Met (NM_001256120.2); short protein forms V156M, V165M, V171M.
Identifiers: ClinVar variation 3055204 (VCV003055204.3), dbSNP rs369415038, ClinGen allele CA10556103.